The following is an entry in ClinVar:

ClinVar aggregate classification (germline): Uncertain significance. Review status: criteria provided, multiple submitters, no conflicts (2 of 4 stars). 3 submissions from 3 submitters: Uncertain significance (2). 1 of the submissions does not count toward it. Last evaluated 2025-08-13.

Conditions:
Cardiomyopathy (CMYO). Also called: Cardiomyopathies. Identifiers: Orphanet 167848, MedGen C0878544, MONDO:0004994, HP:0001638. Inheritance: Various modes of inheritance.
Dystrophin deficiency.
Duchenne muscular dystrophy (DMD). Also called: MUSCULAR DYSTROPHY, PSEUDOHYPERTROPHIC PROGRESSIVE, DUCHENNE TYPE; Duchenne Muscular Dystrophy (DMD). Identifiers: Orphanet 98896, MedGen C0013264, MONDO:0010679, OMIM 310200.
Becker muscular dystrophy (BMD). Also called: Becker Muscular Dystrophy (BMD); MUSCULAR DYSTROPHY, PSEUDOHYPERTROPHIC PROGRESSIVE, BECKER TYPE. Identifiers: Orphanet 98895, MedGen C0917713, MONDO:0010311, OMIM 300376.

Allele frequency attached by ClinVar (database versions not stated): gnomAD exomes 0.00001; TOPMed 0.00001.
gnomAD v4.1: 2 of 1,210,798 alleles (0.00017%); highest among the groups gnomAD compares: Non-Finnish European, 0.00022%; no homozygotes.

Submissions (3):

Labcorp Genetics (formerly Invitae), Labcorp
Classification: Uncertain significance for Duchenne muscular dystrophy. Last evaluated: 2025-08-13. Review status: criteria provided, single submitter. Criteria: Invitae Variant Classification Sherloc (09022015). Collection method: clinical testing. Allele origin: germline.
Comment: This sequence change replaces glycine, which is neutral and non-polar, with serine, which is neutral and polar, at codon 1746 of the DMD protein (p.Gly1746Ser). The frequency data for this variant in the population databases is considered unreliable, as metrics indicate poor data quality at this position in the gnomAD database. This variant has not been reported in the literature in individuals affected with DMD-related conditions. ClinVar contains an entry for this variant (Variation ID: 1037920). Invitae Evidence Modeling of protein sequence and biophysical properties (such as structural, functional, and spatial information, amino acid conservation, physicochemical variation, residue mobility, and thermodynamic stability) indicates that this missense variant is not expected to disrupt DMD protein function with a negative predictive value of 95%. In summary, the available evidence is currently insufficient to determine the role of this variant in disease. Therefore, it has been classified as a Variant of Uncertain Significance.

Revvity Omics, Revvity
Classification: Uncertain significance. Last evaluated: 2022-12-27. Review status: criteria provided, single submitter. Criteria: ACMG Guidelines, 2015. Collection method: clinical testing. Allele origin: germline.

Natera, Inc.
Classification: Uncertain significance for Becker muscular dystrophy; Cardiomyopathy; Duchenne muscular dystrophy; Dystrophin deficiency. Last evaluated: 2019-01-27. Review status: no assertion criteria provided. Collection method: clinical testing. Allele origin: germline. Not counted in ClinVar's aggregate classification.

NM_004006.3(DMD):c.5236G>A (p.Gly1746Ser)

Gene: DMD (dystrophin; minus strand). Cytogenetic location: Xp21.1.
Variant type: single nucleotide variant.
Coding change: c.5236G>A on transcript NM_004006.3 (MANE Select); coding-DNA position 5236, G replaced by A.
Protein change: p.Gly1746Ser; replaces glycine 1746 with serine.
Molecular consequence: missense variant.
Genome position (GRCh38, 1-based): chrX:32,362,877, C>T on the plus strand (G>A on the coding strand, the complement: DMD is on the minus strand). VCF-style: chrX-32362877-C-T. GRCh37 (hg19) VCF-style: chrX-32380994-C-T.
Other names: c.5236G>A (NM_004006.2); c.5212G>A, p.Gly1738Ser (NM_000109.4); c.5224G>A, p.Gly1742Ser (NM_004009.3); c.4867G>A, p.Gly1623Ser (NM_004010.3); c.1213G>A, p.Gly405Ser (NM_004011.4); c.1204G>A, p.Gly402Ser (NM_004012.4); short protein forms G1738S, G1742S, G402S, G1623S, G1746S, G405S.
Identifiers: ClinVar variation 1037920 (VCV001037920.10), dbSNP rs1305126237, ClinGen allele CA412671225.